The following is an entry in ClinVar:

NM_007294.4(BRCA1):c.875T>G (p.Leu292Arg)

Gene: BRCA1 (BRCA1 DNA repair associated; minus strand). Cytogenetic location: 17q21.31.
Variant type: single nucleotide variant.
Coding change: c.875T>G on transcript NM_007294.4 (MANE Select); coding-DNA position 875, T replaced by G.
Protein change: p.Leu292Arg; replaces leucine 292 with arginine.
Molecular consequence: missense variant. On other transcripts: intron variant (137), 5 prime UTR variant (2).
Genome position (GRCh38, 1-based): chr17:43,094,656, A>C on the plus strand (T>G on the coding strand, the complement: BRCA1 is on the minus strand). VCF-style: chr17-43094656-A-C. GRCh37 (hg19) VCF-style: chr17-41246673-A-C.
Other names: c.662T>G, p.Leu221Arg (NM_001407571.1, NM_001407915.1, NM_001407916.1 and 9 more transcripts); c.875T>G, p.Leu292Arg (NM_001407581.1, NM_001407582.1, NM_001407583.1 and 30 more transcripts); c.872T>G, p.Leu291Arg (NM_001407587.1, NM_001407590.1, NM_001407591.1 and 22 more transcripts); c.797T>G, p.Leu266Arg (NM_001407654.1, NM_001407655.1, NM_001407656.1 and 4 more transcripts); c.794T>G, p.Leu265Arg (NM_001407659.1, NM_001407660.1, NM_001407661.1 and 1 more transcripts); c.749T>G, p.Leu250Arg (NM_001407673.1, NM_001407670.1, NM_001407671.1 and 11 more transcripts); c.752T>G, p.Leu251Arg (NM_001407674.1, NM_001407675.1, NM_001407676.1 and 19 more transcripts); c.734T>G, p.Leu245Arg (NM_001407692.1, NM_001407694.1, NM_001407695.1 and 29 more transcripts); and 40 more; short protein forms L180R, L203R, L222R, L251R, L289R, L124R, L221R, L244R.
Identifiers: ClinVar variation 5033184 (VCV005033184.1).

ClinVar aggregate classification (germline): Uncertain significance (1 of 4 stars; one submission).

Conditions:
Hereditary cancer-predisposing syndrome. Also called: Neoplastic Syndromes, Hereditary; Tumor predisposition; Hereditary neoplastic syndrome; Hereditary Cancer Syndrome. Identifiers: Orphanet 140162, MedGen C0027672, MeSH D009386, MONDO:0015356.

Submission:

Ambry Genetics
Classification: Uncertain significance for Hereditary cancer-predisposing syndrome. Last evaluated: 2026-07-07. Review status: criteria provided, single submitter. Criteria: Ambry Variant Classification Scheme 2023. Collection method: clinical testing. Allele origin: germline.
Comment: The p.L292R variant (also known as c.875T>G), located in coding exon 9 of the BRCA1 gene, results from a T to G substitution at nucleotide position 875. The leucine at codon 292 is replaced by arginine, an amino acid with dissimilar properties. This amino acid position is conserved. In addition, the in silico prediction for this alteration is inconclusive. Based on the available evidence, the clinical significance of this variant remains unclear.